The following is an entry in ClinVar:

NM_001048174.2(MUTYH):c.779_780del (p.Thr260fs)

Gene: MUTYH (mutY DNA glycosylase; minus strand). Cytogenetic location: 1p34.1.
Variant type: Microsatellite.
Coding change: c.779_780del on transcript NM_001048174.2 (MANE Select); coding-DNA positions 779 to 780, 2 bases deleted (CA; older notation c.779_780delCA).
Protein change: p.Thr260fs; shifts the reading frame from threonine 260.
Molecular consequence: frameshift variant. On other transcripts: non-coding transcript variant (2).
Genome position (GRCh38, 1-based): chr1:45,332,235-45,332,236, TG deleted on the plus strand (CA on the coding strand, the reverse complement: MUTYH is on the minus strand); deleting any 2 consecutive bases within chr1:45,332,235-45,332,238 gives the same sequence; the c. name uses the placement nearest the transcript's 3' end. VCF-style (leftmost placement, unchanged base first): chr1-45332234-CTG-C. GRCh37 (hg19) VCF-style: chr1-45797906-CTG-C.
Other names: c.863_864del, p.Thr288fs (NM_001128425.2); c.824_825del, p.Thr275fs (NM_001293190.2); c.812_813del, p.Thr271fs (NM_001293191.2); c.503_504del, p.Thr168fs (NM_001293192.2, NM_001293196.2); c.779_780del, p.Thr260fs (NM_001293195.2, NM_001048171.2, NM_001048173.2); c.434_435del, p.Thr145fs (NM_001350650.2, NM_001350651.2); c.854_855del, p.Thr285fs (NM_012222.3); c.782_783del, p.Thr261fs (NM_001048172.2); short protein forms T168fs, T271fs, T285fs, T288fs, T261fs, T145fs, T260fs, T275fs.
Identifiers: ClinVar variation 1374111 (VCV001374111.6), dbSNP rs2149138656, ClinGen allele CA2580611187.
Genomic context (GRCh38, chr1:45,332,234, plus strand): 5'-GTGCCCGGCACAGGCTCTCCACAGGGCACTGGCTGCACAGTGGGCGCTGTGGGGTACACA[CTG>C]TGGCCCCTAGCTCCATGGCTGCTTGGTTGAAATCTCCTGGCCGGGCTGGGTCCACCAGCT-3'

ClinVar aggregate classification (germline): Pathogenic (1 of 4 stars; one submission).

Conditions:
Familial adenomatous polyposis 2. Also called: Adenomas, multiple colorectal; MYH-associated polyposis; COLORECTAL ADENOMATOUS POLYPOSIS, AUTOSOMAL RECESSIVE; ADENOMAS, MULTIPLE COLORECTAL, AUTOSOMAL RECESSIVE; FAP type 2; MUTYH Polyposis. Identifiers: Orphanet 220460, Orphanet 247798, MedGen C3272841, MONDO:0012041, OMIM 608456.

Submission:

Labcorp Genetics (formerly Invitae), Labcorp
Classification: Pathogenic for Familial adenomatous polyposis 2. Last evaluated: 2021-10-27. Review status: criteria provided, single submitter. Criteria: Invitae Variant Classification Sherloc (09022015). Collection method: clinical testing. Allele origin: germline.
Comment: This sequence change creates a premature translational stop signal (p.Thr288Serfs*40) in the MUTYH gene. It is expected to result in an absent or disrupted protein product. Loss-of-function variants in MUTYH are known to be pathogenic (PMID: 18534194, 20663686). This variant is not present in population databases (gnomAD no frequency). This variant has not been reported in the literature in individuals affected with MUTYH-related conditions. Algorithms developed to predict the effect of sequence changes on RNA splicing suggest that this variant may create or strengthen a splice site. For these reasons, this variant has been classified as Pathogenic.

Literature cited by the submitters: PubMed 18534194; PubMed 20663686.